The following is an entry in ClinVar:

NM_004795.4(KL):c.2505C>G (p.Asp835Glu)

Gene: KL (klotho; plus strand). Cytogenetic location: 13q13.1.
Variant type: single nucleotide variant.
Coding change: c.2505C>G on transcript NM_004795.4 (MANE Select); coding-DNA position 2505, C replaced by G.
Protein change: p.Asp835Glu; replaces aspartic acid 835 with glutamic acid.
Molecular consequence: missense variant.
Genome position (GRCh38, 1-based): chr13:33,061,584, C>G. VCF-style: chr13-33061584-C-G. GRCh37 (hg19) VCF-style: chr13-33635721-C-G.
Other names: short protein forms D835E.
Identifiers: ClinVar variation 64545 (VCV000064545.2), dbSNP rs387907442, ClinGen allele CA216375.

ClinVar aggregate classification (germline): Uncertain significance (0 of 4 stars; one submission).

Submission:

Martin Pollak Laboratory,  Beth Israel Deaconess Medical Center
Classification: Uncertain significance. Review status: no assertion criteria provided. Collection method: not provided. Allele origin: unknown.
Comment: Lower and higher UCa2+ groups
ClinVar note: Converted during submission from unknown to Uncertain significance.